The following is an entry in ClinVar:

NM_004036.5(ADCY3):c.467G>T (p.Gly156Val)

Gene: ADCY3 (adenylate cyclase 3; minus strand). Cytogenetic location: 2p23.3.
Variant type: single nucleotide variant.
Coding change: c.467G>T on transcript NM_004036.5 (MANE Select); coding-DNA position 467, G replaced by T.
Protein change: p.Gly156Val; replaces glycine 156 with valine.
Molecular consequence: missense variant.
Genome position (GRCh38, 1-based): chr2:24,918,521, C>A on the plus strand (G>T on the coding strand, the complement: ADCY3 is on the minus strand). VCF-style: chr2-24918521-C-A. GRCh37 (hg19) VCF-style: chr2-25141390-C-A.
Other names: c.467G>T, p.Gly156Val (NM_001320613.2, NM_001377128.1, NM_001377129.1 and 2 more transcripts); short protein forms G156V.
Identifiers: ClinVar variation 4997055 (VCV004997055.1).
Genomic context (GRCh38, chr2:24,918,521, plus strand): 5'-ACAAAGAAGACCTGCCAGCCCACCGTGTCACTAGCCGCGTGGGCACGCGCGAAGTTCAGG[C>A]CCAGGTAGGAGAAGATCTGGGCGGTTATGAGCAGCCACAGCACGTAGGGCAGCACTCTGC-3'
Protein context (NP_004027.2, residues 146-166): LITAQIFSYL[Gly156Val]LNFARAHAAS

ClinVar aggregate classification (germline): Uncertain significance (1 of 4 stars; one submission).

Conditions:
ADCY3-related disorder. Also called: ADCY3-related condition.

Submission:

PreventionGenetics, part of Exact Sciences
Classification: Uncertain significance for ADCY3-related condition. Last evaluated: 2025-07-22. Review status: criteria provided, single submitter. Criteria: ACMG Guidelines, 2015. Collection method: clinical testing. Allele origin: germline.
Comment: The ADCY3 c.467G>T variant is predicted to result in the amino acid substitution p.Gly156Val. To our knowledge, this variant has not been reported in the literature or in a large population database (gnomAD), indicating this variant is rare. At this time, the clinical significance of this variant is uncertain due to the absence of conclusive functional and genetic evidence.